The following is an entry in ClinVar:

ClinVar aggregate classification (germline): Uncertain significance (1 of 4 stars; one submission).

Allele frequency attached by ClinVar (database versions not stated): ExAC 0.00002.

Submission:

Labcorp Genetics (formerly Invitae), Labcorp
Classification: Uncertain significance. Last evaluated: 2022-09-27. Review status: criteria provided, single submitter. Criteria: Invitae Variant Classification Sherloc (09022015). Collection method: clinical testing. Allele origin: germline.
Comment: This sequence change replaces serine, which is neutral and polar, with phenylalanine, which is neutral and non-polar, at codon 503 of the TRIOBP protein (p.Ser503Phe). In summary, the available evidence is currently insufficient to determine the role of this variant in disease. Therefore, it has been classified as a Variant of Uncertain Significance. Algorithms developed to predict the effect of missense changes on protein structure and function are either unavailable or do not agree on the potential impact of this missense change (SIFT: "Tolerated"; PolyPhen-2: "Not Available"; Align-GVGD: "Class C0"). ClinVar contains an entry for this variant (Variation ID: 1401362). This variant has not been reported in the literature in individuals affected with TRIOBP-related conditions. This variant is not present in population databases (gnomAD no frequency).

NM_001039141.3(TRIOBP):c.1508C>T (p.Ser503Phe)

Gene: TRIOBP (TRIO and F-actin binding protein; plus strand). Cytogenetic location: 22q13.1.
Variant type: single nucleotide variant.
Coding change: c.1508C>T on transcript NM_001039141.3 (MANE Select); coding-DNA position 1508, C replaced by T.
Protein change: p.Ser503Phe; replaces serine 503 with phenylalanine.
Molecular consequence: missense variant.
Genome position (GRCh38, 1-based): chr22:37,724,064, C>T. VCF-style: chr22-37724064-C-T. GRCh37 (hg19) VCF-style: chr22-38120071-C-T.
Other names: short protein forms S503F.
Identifiers: ClinVar variation 1401362 (VCV001401362.7), dbSNP rs748198724, ClinGen allele CA10223599.